The following is an entry in ClinVar:

NM_002496.4(NDUFS8):c.426C>G (p.Arg142=)

Gene: NDUFS8 (NADH:ubiquinone oxidoreductase core subunit S8; plus strand). Cytogenetic location: 11q13.2.
Variant type: single nucleotide variant.
Coding change: c.426C>G on transcript NM_002496.4 (MANE Select); coding-DNA position 426, C replaced by G.
Protein change: p.Arg142=; no amino-acid change (arginine 142 retained).
Molecular consequence: synonymous variant.
Genome position (GRCh38, 1-based): chr11:68,036,306, C>G. VCF-style: chr11-68036306-C-G. GRCh37 (hg19) VCF-style: chr11-67803773-C-G.
Other names: c.426C>G (NM_002496.3).
Identifiers: ClinVar variation 2864036 (VCV002864036.4), dbSNP rs775662744, ClinGen allele CA6146527.

ClinVar aggregate classification (germline): Likely benign. Review status: criteria provided, multiple submitters, no conflicts (2 of 4 stars). 2 submissions from 2 submitters: Likely benign (2). Last evaluated 2026-04-17.

Conditions:
NDUFS8-related disorder. Also called: NDUFS8-related condition.

Allele frequency attached by ClinVar (database versions not stated): ExAC 0.00001; TOPMed 0.00002; gnomAD 0.00003.
gnomAD v4.1: 20 of 1,613,508 alleles (0.0012%); highest among the groups gnomAD compares: East Asian, 0.027%; no homozygotes.

Submissions (2):

PreventionGenetics, part of Exact Sciences
Classification: Likely benign for NDUFS8-related condition. Last evaluated: 2026-04-17. Review status: criteria provided, single submitter. Criteria: ACMG Guidelines, 2015. Collection method: clinical testing. Allele origin: germline.
Comment: This variant is classified as likely benign based on ACMG/AMP sequence variant interpretation guidelines (Richards et al. 2015 PMID: 25741868, with internal and published modifications).

Labcorp Genetics (formerly Invitae), Labcorp
Classification: Likely benign. Last evaluated: 2023-07-08. Review status: criteria provided, single submitter. Criteria: Invitae Variant Classification Sherloc (09022015). Collection method: clinical testing. Allele origin: germline.